The following is an entry in ClinVar:

ClinVar aggregate classification (germline): Uncertain significance (1 of 4 stars; one submission).

Submission:

GeneDx
Classification: Uncertain significance. Last evaluated: 2022-09-29. Review status: criteria provided, single submitter. Criteria: GeneDx Variant Classification Process June 2021. Collection method: clinical testing. Allele origin: germline. Affected: yes.
Comment: Not observed at significant frequency in large population cohorts (gnomAD); In silico analysis supports that this missense variant does not alter protein structure/function; Has not been previously published as pathogenic or benign to our knowledge

NM_206933.4(USH2A):c.5098A>T (p.Ile1700Phe)

Genes: USH2A (usherin; minus strand), USH2A-AS2 (USH2A antisense RNA 2; plus strand). Cytogenetic location: 1q41.
Variant type: single nucleotide variant.
Coding change: c.5098A>T on transcript NM_206933.4 (MANE Select); coding-DNA position 5098, A replaced by T.
Protein change: p.Ile1700Phe; replaces isoleucine 1700 with phenylalanine.
Molecular consequence: missense variant.
Genome position (GRCh38, 1-based): chr1:216,084,767, T>A on the plus strand (A>T on the coding strand, the complement: USH2A is on the minus strand). VCF-style: chr1-216084767-T-A. GRCh37 (hg19) VCF-style: chr1-216258109-T-A.
Other names: short protein forms I1700F.
Identifiers: ClinVar variation 2446660 (VCV002446660.1), dbSNP rs2527808633, ClinGen allele CA344858967.